The following is an entry in ClinVar:

NM_000290.4(PGAM2):c.194G>A (p.Arg65His)

Genes: DBNL (drebrin like; plus strand), PGAM2 (phosphoglycerate mutase 2; minus strand). Cytogenetic location: 7p13.
Variant type: single nucleotide variant.
Coding change: c.194G>A on transcript NM_000290.4 (MANE Select); coding-DNA position 194, G replaced by A.
Protein change: p.Arg65His; replaces arginine 65 with histidine.
Molecular consequence: missense variant. On other transcripts: 3 prime UTR variant (6).
Genome position (GRCh38, 1-based): chr7:44,065,336, C>T on the plus strand (G>A on the coding strand, the complement: PGAM2 is on the minus strand). VCF-style: chr7-44065336-C-T. GRCh37 (hg19) VCF-style: chr7-44104935-C-T.
Other names: c.*4420C>T (NM_001014436.3, NM_001122956.2, NM_001284313.2 and 3 more transcripts); short protein forms R65H.
Identifiers: ClinVar variation 966969 (VCV000966969.7), dbSNP rs200420235, ClinGen allele CA4236657.

ClinVar aggregate classification (germline): Uncertain significance. Review status: criteria provided, multiple submitters, no conflicts (2 of 4 stars). 2 submissions from 2 submitters: Uncertain significance (2). Last evaluated 2024-05-26.

Conditions:
Glycogen storage disease type X (GSD10). Also called: Glycogen storage disease due to phosphoglycerate mutase deficiency; GSD X; Dimauro disease; MYOPATHY DUE TO PHOSPHOGLYCERATE MUTASE DEFICIENCY; PGAMM DEFICIENCY; PHOSPHOGLYCERATE MUTASE, MUSCLE, DEFICIENCY OF. Identifiers: Orphanet 97234, MedGen C0268149, MONDO:0009865, OMIM 261670.
Inborn genetic diseases. Identifiers: MedGen C0950123, MeSH D030342.

Allele frequency attached by ClinVar (database versions not stated): ExAC 0.00002; gnomAD exomes 0.00002; TOPMed 0.00008; gnomAD 0.00009 and 0.00010; ESP Exome Variant Server 0.00023.
gnomAD v4.1: 45 of 1,613,464 alleles (0.0028%); highest among the groups gnomAD compares: African/African-American, 0.021%; no homozygotes.

Submissions (2):

Ambry Genetics
Classification: Uncertain significance for Inborn genetic diseases. Last evaluated: 2024-05-26. Review status: criteria provided, single submitter. Criteria: Ambry Variant Classification Scheme 2023. Collection method: clinical testing. Allele origin: germline.

Labcorp Genetics (formerly Invitae), Labcorp
Classification: Uncertain significance for Glycogen storage disease type X. Last evaluated: 2021-08-27. Review status: criteria provided, single submitter. Criteria: Invitae Variant Classification Sherloc (09022015). Collection method: clinical testing. Allele origin: germline.
Comment: This sequence change replaces arginine with histidine at codon 65 of the PGAM2 protein (p.Arg65His). The arginine residue is moderately conserved and there is a small physicochemical difference between arginine and histidine. This variant is present in population databases (rs200420235, ExAC 0.03%). This variant has not been reported in the literature in individuals affected with PGAM2-related conditions. Algorithms developed to predict the effect of missense changes on protein structure and function output the following: SIFT: "Deleterious"; PolyPhen-2: "Benign"; Align-GVGD: "Class C0". The histidine amino acid residue is found in multiple mammalian species, which suggests that this missense change does not adversely affect protein function. In summary, the available evidence is currently insufficient to determine the role of this variant in disease. Therefore, it has been classified as a Variant of Uncertain Significance.